The following is an entry in ClinVar:

NM_152703.5(SAMD9L):c.2191C>A (p.Pro731Thr)

Gene: SAMD9L (sterile alpha motif domain containing 9 like; minus strand). Cytogenetic location: 7q21.2.
Variant type: single nucleotide variant.
Coding change: c.2191C>A on transcript NM_152703.5 (MANE Select); coding-DNA position 2191, C replaced by A.
Protein change: p.Pro731Thr; replaces proline 731 with threonine.
Molecular consequence: missense variant.
Genome position (GRCh38, 1-based): chr7:93,133,781, G>T on the plus strand (C>A on the coding strand, the complement: SAMD9L is on the minus strand). VCF-style: chr7-93133781-G-T. GRCh37 (hg19) VCF-style: chr7-92763094-G-T.
Other names: c.2191C>A, p.Pro731Thr (NM_001303496.3, NM_001303497.3, NM_001303498.3 and 5 more transcripts); short protein forms P731T.
Identifiers: ClinVar variation 4630016 (VCV004630016.1).

ClinVar aggregate classification (germline): Uncertain significance (1 of 4 stars; one submission).

Conditions:
Inborn genetic diseases. Identifiers: MedGen C0950123, MeSH D030342.

Submission:

Ambry Genetics
Classification: Uncertain significance for Inborn genetic diseases. Last evaluated: 2025-09-25. Review status: criteria provided, single submitter. Criteria: Ambry Variant Classification Scheme 2023. Collection method: clinical testing. Allele origin: germline.
Comment: The p.P731T variant (also known as c.2191C>A), located in coding exon 1 of the SAMD9L gene, results from a C to A substitution at nucleotide position 2191. The proline at codon 731 is replaced by threonine, an amino acid with highly similar properties. This amino acid position is conserved. In addition, this alteration is predicted to be tolerated by in silico analysis. Based on the available evidence, the clinical significance of this variant remains unclear.